The following is an entry in ClinVar:

NM_001374353.1(GLI2):c.598G>A (p.Ala200Thr)

Gene: GLI2 (GLI family zinc finger 2; plus strand). Cytogenetic location: 2q14.2.
Variant type: single nucleotide variant.
Coding change: c.598G>A on transcript NM_001374353.1 (MANE Select); coding-DNA position 598, G replaced by A.
Protein change: p.Ala200Thr; replaces alanine 200 with threonine.
Molecular consequence: missense variant.
Genome position (GRCh38, 1-based): chr2:120,955,385, G>A. VCF-style: chr2-120955385-G-A. GRCh37 (hg19) VCF-style: chr2-121712961-G-A.
Other names: c.598G>A, p.Ala200Thr (NM_001371271.1, NM_005270.5); c.223G>A, p.Ala75Thr (NM_001374354.1); short protein forms A200T, A75T.
Identifiers: ClinVar variation 1639759 (VCV001639759.13), dbSNP rs111840592, ClinGen allele CA1851586.
Genomic context (GRCh38, chr2:120,955,385, plus strand): 5'-ATGACCCTCGTGGCAGGCCACCCCGCGCCCTACGGGGACCTGCTGATGCAGAGCGGGGGC[G>A]CTGCCAGCGCACCCCATCTCCACGACTACCTCAACCCCGTGGACGGTGAGTGCTGGCCCC-3'
Protein context (NP_001361282.1, residues 190-210): YGDLLMQSGG[Ala200Thr]ASAPHLHDYL

ClinVar aggregate classification (germline): Likely benign. Review status: criteria provided, multiple submitters, no conflicts (2 of 4 stars). 4 submissions from 4 submitters: Likely benign (3). 1 of the submissions does not count toward it. Last evaluated 2025-03-18.

Conditions:
GLI2-related disorder. Also called: GLI2-related condition; GLI2-related disorders.
Holoprosencephaly 9 (HPE9). Also called: PITUITARY ANOMALIES WITH HOLOPROSENCEPHALY-LIKE FEATURES; HOLOPROSENCEPHALY WITH MICROPHTHALMIA AND FIRST BRANCHIAL ARCH ANOMALIES. Identifiers: Orphanet 2162, MedGen C1835819, MONDO:0012563, OMIM 610829.
Postaxial polydactyly-anterior pituitary anomalies-facial dysmorphism syndrome. Also called: Culler-Jones syndrome. Identifiers: Orphanet 420584, MedGen C4014479, MONDO:0014369, OMIM 615849.

Allele frequency attached by ClinVar (database versions not stated): gnomAD exomes 0.00013 and 0.00019; ESP Exome Variant Server 0.00031; ExAC 0.00032; TOPMed 0.00032; gnomAD 0.00037 and 0.00040; 1000 Genomes Project 30x 0.00094; 1000 Genomes Project 0.00120.
gnomAD v4.1: 250 of 1,611,820 alleles (0.016%); highest among the groups gnomAD compares: African/African-American, 0.13%; 3 homozygotes.

Submissions (4):

Labcorp Genetics (formerly Invitae), Labcorp
Classification: Likely benign for Postaxial polydactyly-anterior pituitary anomalies-facial dysmorphism syndrome; Holoprosencephaly 9. Last evaluated: 2025-03-18. Review status: criteria provided, single submitter. Criteria: Invitae Variant Classification Sherloc (09022015). Collection method: clinical testing. Allele origin: germline.

Blueprint Genetics
Classification: Likely benign. Last evaluated: 2024-07-19. Review status: criteria provided, single submitter. Criteria: ACMG Guidelines, 2015. Collection method: clinical testing. Allele origin: germline.

GeneDx
Classification: Likely benign. Last evaluated: 2019-03-25. Review status: criteria provided, single submitter. Criteria: GeneDx Variant Classification Process June 2021. Collection method: clinical testing. Allele origin: germline. Affected: yes.
Comment: See Variant Classification Assertion Criteria.

PreventionGenetics, part of Exact Sciences
Classification: Likely benign for GLI2-related condition. Last evaluated: 2022-12-09. Review status: no assertion criteria provided. Collection method: clinical testing. Allele origin: germline. Not counted in ClinVar's aggregate classification.
Comment: This variant is classified as likely benign based on ACMG/AMP sequence variant interpretation guidelines (Richards et al. 2015 PMID: 25741868, with internal and published modifications).